The following is an entry in ClinVar:

NM_000270.4(PNP):c.844A>G (p.Ile282Val)

Gene: PNP (purine nucleoside phosphorylase; plus strand). Cytogenetic location: 14q11.2.
Variant type: single nucleotide variant.
Coding change: c.844A>G on transcript NM_000270.4 (MANE Select); coding-DNA position 844, A replaced by G.
Protein change: p.Ile282Val; replaces isoleucine 282 with valine.
Molecular consequence: missense variant.
Genome position (GRCh38, 1-based): chr14:20,476,575, A>G. VCF-style: chr14-20476575-A-G. GRCh37 (hg19) VCF-style: chr14-20944734-A-G.
Other names: short protein forms I282V.
Identifiers: ClinVar variation 840386 (VCV000840386.9), dbSNP rs1440509100, ClinGen allele CA389146293.

ClinVar aggregate classification (germline): Uncertain significance (1 of 4 stars; one submission).

Conditions:
Purine-nucleoside phosphorylase deficiency. Also called: NUCLEOSIDE PHOSPHORYLASE DEFICIENCY; Immunodeficiency due to purine nucleoside phosphorylase deficiency. Identifiers: Orphanet 760, MedGen C0268125, MONDO:0013171, OMIM 613179.

Allele frequency attached by ClinVar (database versions not stated): gnomAD exomes below 0.00001.
gnomAD v4.1: 1 of 1,614,202 alleles (0.000062%); highest among the groups gnomAD compares: Admixed American, 0.0017%; no homozygotes.

Submission:

Labcorp Genetics (formerly Invitae), Labcorp
Classification: Uncertain significance for Purine-nucleoside phosphorylase deficiency. Last evaluated: 2025-10-01. Review status: criteria provided, single submitter. Criteria: Invitae Variant Classification Sherloc (09022015). Collection method: clinical testing. Allele origin: germline.
Comment: This sequence change replaces isoleucine, which is neutral and non-polar, with valine, which is neutral and non-polar, at codon 282 of the PNP protein (p.Ile282Val). This variant is present in population databases (no rsID available, gnomAD 0.003%). This variant has not been reported in the literature in individuals affected with PNP-related conditions. ClinVar contains an entry for this variant (Variation ID: 840386). An algorithm developed to predict the effect of missense changes on protein structure and function outputs the following: PolyPhen-2: "Benign". The valine amino acid residue is found in multiple mammalian species, which suggests that this missense change does not adversely affect protein function. In summary, the available evidence is currently insufficient to determine the role of this variant in disease. Therefore, it has been classified as a Variant of Uncertain Significance.